The following is an entry in ClinVar:

ClinVar aggregate classification (germline): Uncertain significance (1 of 4 stars; one submission).

Submission:

Labcorp Genetics (formerly Invitae), Labcorp
Classification: Uncertain significance. Last evaluated: 2024-08-28. Review status: criteria provided, single submitter. Criteria: Invitae Variant Classification Sherloc (09022015). Collection method: clinical testing. Allele origin: germline.
Comment: This sequence change replaces glutamic acid, which is acidic and polar, with glycine, which is neutral and non-polar, at codon 1192 of the FREM2 protein (p.Glu1192Gly). This variant is not present in population databases (gnomAD no frequency). This variant has not been reported in the literature in individuals affected with FREM2-related conditions. Invitae Evidence Modeling of protein sequence and biophysical properties (such as structural, functional, and spatial information, amino acid conservation, physicochemical variation, residue mobility, and thermodynamic stability) indicates that this missense variant is not expected to disrupt FREM2 protein function with a negative predictive value of 80%. In summary, the available evidence is currently insufficient to determine the role of this variant in disease. Therefore, it has been classified as a Variant of Uncertain Significance.

NM_207361.6(FREM2):c.3575A>G (p.Glu1192Gly)

Gene: FREM2 (FRAS1 related extracellular matrix 2; plus strand). Cytogenetic location: 13q13.3.
Variant type: single nucleotide variant.
Coding change: c.3575A>G on transcript NM_207361.6 (MANE Select); coding-DNA position 3575, A replaced by G.
Protein change: p.Glu1192Gly; replaces glutamic acid 1192 with glycine.
Molecular consequence: missense variant.
Genome position (GRCh38, 1-based): chr13:38,690,919, A>G. VCF-style: chr13-38690919-A-G. GRCh37 (hg19) VCF-style: chr13-39265056-A-G.
Other names: short protein forms E1192G.
Identifiers: ClinVar variation 3663743 (VCV003663743.2).
Genomic context (GRCh38, chr13:38,690,919, plus strand): 5'-ACTTTTCAGAGAGACAGTTCTTCCCCATTGTAATCATTCCCACCAATGATGAACAGCCAG[A>G]GATGTTTATGAGAGAATTTATGGTGATGGAAGGCATGAGTCTGGTAATTGATACACCCAT-3'
Protein context (NP_997244.4, residues 1182-1202): VIIPTNDEQP[Glu1192Gly]MFMREFMVME